The following is an entry in ClinVar:

ClinVar aggregate classification (germline): Conflicting classifications of pathogenicity. Review status: criteria provided, conflicting classifications (1 of 4 stars). 5 submissions from 5 submitters: Uncertain significance (3); Likely benign (1). 1 of the submissions does not count toward it. Last evaluated 2025-04-24.

Conditions:
D2HGDH-related disorder. Also called: D2HGDH-related condition.
Inborn genetic diseases. Identifiers: MedGen C0950123, MeSH D030342.
D-2-hydroxyglutaric aciduria 1 (D2HGA1). Identifiers: Orphanet 79315, MedGen C3152055, MONDO:0024554, OMIM 600721.

Allele frequency attached by ClinVar (database versions not stated): gnomAD exomes 0.00003 and 0.00010; TOPMed 0.00007; gnomAD 0.00009 and 0.00010; ExAC 0.00013.
gnomAD v4.1: 81 of 1,611,314 alleles (0.005%); highest among the groups gnomAD compares: East Asian, 0.038%; 1 homozygote.

Submissions (5):

Labcorp Genetics (formerly Invitae), Labcorp
Classification: Likely benign for D-2-hydroxyglutaric aciduria 1. Last evaluated: 2025-04-24. Review status: criteria provided, single submitter. Criteria: Invitae Variant Classification Sherloc (09022015). Collection method: clinical testing. Allele origin: germline.

Ambry Genetics
Classification: Uncertain significance for Inborn genetic diseases. Last evaluated: 2023-03-06. Review status: criteria provided, single submitter. Criteria: Ambry Variant Classification Scheme 2023. Collection method: clinical testing. Allele origin: germline.

CeGaT Center for Human Genetics Tuebingen
Classification: Uncertain significance. Last evaluated: 2021-05-01. Review status: criteria provided, single submitter. Criteria: CeGaT Center For Human Genetics Tuebingen Variant Classification Criteria Version 2. Collection method: clinical testing. Allele origin: germline. Affected: yes. Observed: 2 variant alleles.

Illumina Laboratory Services, Illumina
Classification: Uncertain significance for D-2-hydroxyglutaric aciduria 1. Last evaluated: 2018-01-13. Review status: criteria provided, single submitter. Criteria: ICSL Variant Classification Criteria 13 December 2019. Collection method: clinical testing. Allele origin: germline.

PreventionGenetics, part of Exact Sciences
Classification: Uncertain significance for D2HGDH-related condition. Last evaluated: 2023-11-02. Review status: no assertion criteria provided. Collection method: clinical testing. Allele origin: germline. Not counted in ClinVar's aggregate classification.
Comment: The D2HGDH c.1453G>A variant is predicted to result in the amino acid substitution p.Val485Ile. To our knowledge, this variant has not been reported in the literature. This variant is reported in 0.12% of alleles in individuals of East Asian descent in gnomAD, which may be too frequent for an unreported disease-causing variant. Although we suspect that this variant may be benign, at this time, the clinical significance of this variant is uncertain due to the absence of conclusive functional and genetic evidence.

NM_152783.5(D2HGDH):c.1453G>A (p.Val485Ile)

Gene: D2HGDH (D-2-hydroxyglutarate dehydrogenase; plus strand). Cytogenetic location: 2q37.3.
Variant type: single nucleotide variant.
Coding change: c.1453G>A on transcript NM_152783.5 (MANE Select); coding-DNA position 1453, G replaced by A.
Protein change: p.Val485Ile; replaces valine 485 with isoleucine.
Molecular consequence: missense variant. On other transcripts: non-coding transcript variant (1).
Genome position (GRCh38, 1-based): chr2:241,767,856, G>A. VCF-style: chr2-241767856-G-A. GRCh37 (hg19) VCF-style: chr2-242707271-G-A.
Other names: c.1051G>A, p.Val351Ile (NM_001287249.2); c.892G>A, p.Val298Ile (NM_001352824.2); short protein forms V485I, V351I, V298I.
Identifiers: ClinVar variation 335320 (VCV000335320.54), dbSNP rs375162898, ClinGen allele CA2222239.